The following is an entry in ClinVar:

ClinVar aggregate classification (germline): Uncertain significance (1 of 4 stars; one submission).

Conditions:
Neurodevelopmental disorder with or without hyperkinetic movements and seizures, autosomal dominant. Also called: Intellectual disability, autosomal dominant 8. Identifiers: MedGen C3280282, MONDO:0013655, OMIM 614254.

Submission:

Labcorp Genetics (formerly Invitae), Labcorp
Classification: Uncertain significance for Neurodevelopmental disorder with or without hyperkinetic movements and seizures, autosomal dominant. Last evaluated: 2024-05-23. Review status: criteria provided, single submitter. Criteria: Invitae Variant Classification Sherloc (09022015). Collection method: clinical testing. Allele origin: germline.
Comment: This sequence change falls in intron 5 of the GRIN1 gene. It does not directly change the encoded amino acid sequence of the GRIN1 protein. It affects a nucleotide within the consensus splice site. This variant is not present in population databases (gnomAD no frequency). This variant has not been reported in the literature in individuals affected with GRIN1-related conditions. Variants that disrupt the consensus splice site are a relatively common cause of aberrant splicing (PMID: 17576681, 9536098). Algorithms developed to predict the effect of sequence changes on RNA splicing suggest that this variant may disrupt the consensus splice site. In summary, the available evidence is currently insufficient to determine the role of this variant in disease. Therefore, it has been classified as a Variant of Uncertain Significance.

Literature cited by the submitters: PubMed 17576681; PubMed 9536098.

NM_007327.4(GRIN1):c.793+6T>G

Gene: GRIN1 (glutamate ionotropic receptor NMDA type subunit 1; plus strand). Cytogenetic location: 9q34.3.
Variant type: single nucleotide variant.
Coding change: c.793+6T>G on transcript NM_007327.4 (MANE Select); 6 bases into the intron after coding-DNA position 793, T replaced by G.
Molecular consequence: intron variant.
Genome position (GRCh38, 1-based): chr9:137,156,796, T>G. VCF-style: chr9-137156796-T-G. GRCh37 (hg19) VCF-style: chr9-140051248-T-G.
Other names: c.856+6T>G (NM_001185090.2, NM_001185091.2); c.793+6T>G (NM_021569.4, NM_000832.7).
Identifiers: ClinVar variation 3653188 (VCV003653188.2).